The following is an entry in ClinVar:

NM_002495.4(NDUFS4):c.360del (p.Leu121fs)

Gene: NDUFS4 (NADH:ubiquinone oxidoreductase subunit S4; plus strand). Cytogenetic location: 5q11.2.
Variant type: Deletion.
Coding change: c.360del on transcript NM_002495.4 (MANE Select); coding-DNA position 360, one base deleted (C; older notation c.360delC).
Protein change: p.Leu121fs; shifts the reading frame from leucine 121.
Molecular consequence: frameshift variant. On other transcripts: non-coding transcript variant (3), intron variant (1).
Genome position (GRCh38, 1-based): chr5:53,658,560, C deleted; the last of 3 consecutive C bases (chr5:53,658,558-53,658,560); deleting any one gives the same sequence. VCF-style (leftmost placement, unchanged base first): chr5-53658557-TC-T. GRCh37 (hg19) VCF-style: chr5-52954387-TC-T.
Other names: c.350+12155del (NM_001318051.2); short protein forms L121fs.
Identifiers: ClinVar variation 2711416 (VCV002711416.3), dbSNP rs1437912745, ClinGen allele CA559656487.

ClinVar aggregate classification (germline): Pathogenic (1 of 4 stars; one submission).

Submission:

Labcorp Genetics (formerly Invitae), Labcorp
Classification: Pathogenic. Last evaluated: 2023-06-11. Review status: criteria provided, single submitter. Criteria: Invitae Variant Classification Sherloc (09022015). Collection method: clinical testing. Allele origin: germline.
Comment: This sequence change creates a premature translational stop signal (p.Leu121Tyrfs*6) in the NDUFS4 gene. While this is not anticipated to result in nonsense mediated decay, it is expected to disrupt the last 55 amino acid(s) of the NDUFS4 protein. This variant is present in population databases (no rsID available, gnomAD 0.0009%). This variant has not been reported in the literature in individuals affected with NDUFS4-related conditions. This variant disrupts a region of the NDUFS4 protein in which other variant(s) (p.Glu132Argfs*15) have been determined to be pathogenic (PMID: 27671926). This suggests that this is a clinically significant region of the protein, and that variants that disrupt it are likely to be disease-causing. For these reasons, this variant has been classified as Pathogenic.

Literature cited by the submitters: PubMed 27671926.